The following is an entry in ClinVar:

NM_015046.7(SETX):c.4507C>A (p.Pro1503Thr)

Gene: SETX (senataxin; minus strand). Cytogenetic location: 9q34.13.
Variant type: single nucleotide variant.
Coding change: c.4507C>A on transcript NM_015046.7 (MANE Select); coding-DNA position 4507, C replaced by A.
Protein change: p.Pro1503Thr; replaces proline 1503 with threonine.
Molecular consequence: missense variant.
Genome position (GRCh38, 1-based): chr9:132,327,091, G>T on the plus strand (C>A on the coding strand, the complement: SETX is on the minus strand). VCF-style: chr9-132327091-G-T. GRCh37 (hg19) VCF-style: chr9-135202478-G-T.
Other names: c.4507C>A, p.Pro1503Thr (NM_001351527.2, NM_001351528.2); short protein forms P1503T.
Identifiers: ClinVar variation 1303039 (VCV001303039.2), dbSNP rs745844516, ClinGen allele CA5297189.
Genomic context (GRCh38, chr9:132,327,091, plus strand): 5'-TTAGTTCAATGAGTTTATAATTGTCATTCTCCATTTGTGAACATAAATCCATATCTTCAG[G>T]ATCATTTTGGGTTAAAAATAAGTTATCTTCCTCTGCATCACTGCTGGAGTCAGGCTCTCC-3'
Protein context (NP_055861.3, residues 1493-1513): EDNLFLTQND[Pro1503Thr]EDMDLCSQME

ClinVar aggregate classification (germline): Uncertain significance (1 of 4 stars; one submission).

Allele frequency attached by ClinVar (database versions not stated): gnomAD exomes 0.00001; ExAC 0.00001.
gnomAD v4.1: 4 of 1,614,068 alleles (0.00025%); highest among the groups gnomAD compares: Non-Finnish European, 0.00034%; no homozygotes.

Submission:

GeneDx
Classification: Uncertain significance. Last evaluated: 2021-04-05. Review status: criteria provided, single submitter. Criteria: GeneDx Variant Classification Process June 2021. Collection method: clinical testing. Allele origin: germline. Affected: yes.
Comment: Not observed at a significant frequency in large population cohorts (Lek et al., 2016); In silico analysis supports that this missense variant has a deleterious effect on protein structure/function; Reported as compound heterozygous in an individual with early-onset progressive ataxia, oculomotor apraxia, axonal sensory-motor neuropathy, optic atrophy, and delayed psychomotor development, and a behavior disorder, however senataxin expression studies in the patient's cell showed normal senataxin expression levels (Vantaggiato et al., 2014).; This variant is associated with the following publications: (PMID: 24183476)